The following is an entry in ClinVar:

ClinVar aggregate classification (germline): Likely benign. Review status: criteria provided, multiple submitters, no conflicts (2 of 4 stars). 2 submissions from 2 submitters: Likely benign (2). Last evaluated 2025-11-08.

Conditions:
Malignant hyperthermia, susceptibility to, 1 (MHS1). Also called: RYR1-Related Malignant Hyperthermia Susceptibility; Anesthesia related hyperthermia; Malignant hyperpyrexia; Fulminating hyperpyrexia; Pharmacogenic myopathy; Malignant hyperthermia suceptibility 1. Identifiers: Orphanet 423, MedGen C2930980, MONDO:0007783, OMIM 145600.
RYR1-related disorder. Also called: RYR1-related disorders; RYR1-related condition. Identifiers: MedGen CN239331.

Allele frequency attached by ClinVar (database versions not stated): gnomAD 0.00001; gnomAD exomes 0.00001; TOPMed 0.00001.
gnomAD v4.1: 21 of 1,613,710 alleles (0.0013%); highest among the groups gnomAD compares: Non-Finnish European, 0.0014%; no homozygotes.

Submissions (2):

Labcorp Genetics (formerly Invitae), Labcorp
Classification: Likely benign for RYR1-related disorder. Last evaluated: 2025-11-08. Review status: criteria provided, single submitter. Criteria: Invitae Variant Classification Sherloc (09022015). Collection method: clinical testing. Allele origin: germline.

All of Us Research Program, National Institutes of Health
Classification: Likely benign for Malignant hyperthermia, susceptibility to, 1. Last evaluated: 2024-05-14. Review status: criteria provided, single submitter. Criteria: ACMG Guidelines, 2015. Collection method: clinical testing. Allele origin: germline. Inheritance: Autosomal dominant inheritance. Observed: 3 variant alleles, 3 heterozygotes.
Comment: This study involves interpretation of variants in research participants for the purpose of population health screening. Participant phenotype was not available at the time of variant classification. Additional details can be found in publication PMID: 35346344, PMCID: PMC8962531

NM_000540.3(RYR1):c.1422G>A (p.Gln474=)

Gene: RYR1 (ryanodine receptor 1; plus strand). Cytogenetic location: 19q13.2.
Variant type: single nucleotide variant.
Coding change: c.1422G>A on transcript NM_000540.3 (MANE Select); coding-DNA position 1422, G replaced by A.
Protein change: p.Gln474=; no amino-acid change (glutamine 474 retained).
Molecular consequence: synonymous variant.
Genome position (GRCh38, 1-based): chr19:38,452,996, G>A. VCF-style: chr19-38452996-G-A. GRCh37 (hg19) VCF-style: chr19-38943636-G-A.
Other names: c.1422G>A, p.Gln474= (NM_001042723.2).
Identifiers: ClinVar variation 1156489 (VCV001156489.11), dbSNP rs193922767, ClinGen allele CA507242807.